The following is an entry in ClinVar:

ClinVar aggregate classification (germline): Uncertain significance (1 of 4 stars; one submission).

Conditions:
Hereditary sensory and autonomic neuropathy type 6. Also called: Neuropathy, hereditary sensory and autonomic, type VI; HSAN VI. Identifiers: Orphanet 314381, MedGen C3539003, MONDO:0013839, OMIM 614653.
Epidermolysis bullosa simplex 3, localized or generalized intermediate, with BP230 deficiency (EBS3). Also called: Epidermolysis bullosa simplex, autosomal recessive 2; Epidermolysis bullosa simplex due to BP230 deficiency. Identifiers: Orphanet 412181, MedGen C3809470, MONDO:0014180, OMIM 615425.

Allele frequency attached by ClinVar (database versions not stated): gnomAD 0.00001; gnomAD exomes 0.00001; TOPMed 0.00001.
gnomAD v4.1: 10 of 1,613,878 alleles (0.00062%); highest among the groups gnomAD compares: Non-Finnish European, 0.00085%; no homozygotes.

Submission:

Labcorp Genetics (formerly Invitae), Labcorp
Classification: Uncertain significance for Epidermolysis bullosa simplex 3, localized or generalized intermediate, with BP230 deficiency; Hereditary sensory and autonomic neuropathy type 6. Last evaluated: 2023-12-11. Review status: criteria provided, single submitter. Criteria: Invitae Variant Classification Sherloc (09022015). Collection method: clinical testing. Allele origin: germline.
Comment: This sequence change replaces arginine, which is basic and polar, with serine, which is neutral and polar, at codon 1489 of the DST protein (p.Arg1489Ser). The frequency data for this variant in the population databases is considered unreliable, as metrics indicate poor data quality at this position in the gnomAD database. This variant has not been reported in the literature in individuals affected with DST-related conditions. ClinVar contains an entry for this variant (Variation ID: 835286). An algorithm developed to predict the effect of missense changes on protein structure and function (PolyPhen-2) suggests that this variant is likely to be tolerated. In summary, the available evidence is currently insufficient to determine the role of this variant in disease. Therefore, it has been classified as a Variant of Uncertain Significance.

NM_001723.7(DST):c.4467A>C (p.Arg1489Ser)

Gene: DST (dystonin; minus strand). Cytogenetic location: 6p12.1.
Variant type: single nucleotide variant.
Coding change: c.4467A>C on transcript NM_001723.7 (MANE Plus Clinical); coding-DNA position 4467, A replaced by C.
Protein change: p.Arg1489Ser; replaces arginine 1489 with serine.
Molecular consequence: missense variant. On other transcripts: intron variant (10).
Genome position (GRCh38, 1-based): chr6:56,619,567, T>G on the plus strand (A>C on the coding strand, the complement: DST is on the minus strand). VCF-style: chr6-56619567-T-G. GRCh37 (hg19) VCF-style: chr6-56484365-T-G.
Other names: c.4830+4963A>C (NM_001144769.5); c.4929+4963A>C (NM_001374722.1, NM_001374736.1); c.4956+4963A>C (NM_001374734.1); c.4416+4963A>C (NM_001144770.2); c.4296+4963A>C (NM_001374730.1, NM_001386100.1, NM_183380.4 and 1 more transcripts); c.3318+4963A>C (NM_015548.5); short protein forms R1489S.
Identifiers: ClinVar variation 835286 (VCV000835286.10), dbSNP rs1028060639, ClinGen allele CA139209593.